The following is an entry in ClinVar:

ClinVar aggregate classification (germline): Uncertain significance. Review status: criteria provided, multiple submitters, no conflicts (2 of 4 stars). 4 submissions from 4 submitters: Uncertain significance (4). Last evaluated 2025-06-07.

Conditions:
Charcot-Marie-Tooth disease. Also called: Charcot-Marie-Tooth Hereditary Neuropathy; Charcot-Marie-Tooth Neuropathy. Identifiers: Orphanet 166, MedGen C0007959, MONDO:0015626.
Charcot-Marie-Tooth disease type 4. Also called: Charcot-Marie-Tooth, Type 4; Charcot-Marie-Tooth disease, type IV. Identifiers: Orphanet 64749, MedGen C4082197, MONDO:0018995.
Inborn genetic diseases. Identifiers: MedGen C0950123, MeSH D030342.

Allele frequency attached by ClinVar (database versions not stated): TOPMed below 0.00001; ExAC 0.00001; gnomAD exomes 0.00001.
gnomAD v4.1: 5 of 1,611,476 alleles (0.00031%); highest among the groups gnomAD compares: Admixed American, 0.0033%; no homozygotes.

Submissions (4):

GeneDx
Classification: Uncertain significance. Last evaluated: 2025-06-07. Review status: criteria provided, single submitter. Criteria: GeneDx Variant Classification Process June 2021. Collection method: clinical testing. Allele origin: germline. Affected: yes.
Comment: Reported in an individual with Charcot-Marie-Tooth disease in published literature, however further clinical information was not provided (PMID: 32376792); Not observed at significant frequency in large population cohorts (gnomAD); In silico analysis, which includes protein predictors and evolutionary conservation, supports that this variant does not alter protein structure/function; This variant is associated with the following publications: (PMID: 32376792)

Ambry Genetics
Classification: Uncertain significance for Inborn genetic diseases. Last evaluated: 2020-02-18. Review status: criteria provided, single submitter. Criteria: Ambry Variant Classification Scheme 2023. Collection method: clinical testing. Allele origin: germline.
Comment: The p.K599N variant (also known as c.1797A>T), located in coding exon 4 of the PRX gene, results from an A to T substitution at nucleotide position 1797. The lysine at codon 599 is replaced by asparagine, an amino acid with similar properties. This amino acid position is poorly conserved in available vertebrate species. In addition, this alteration is predicted to be tolerated by in silico analysis. Since supporting evidence is limited at this time, the clinical significance of this alteration remains unclear.

Labcorp Genetics (formerly Invitae), Labcorp
Classification: Uncertain significance for Charcot-Marie-Tooth disease type 4. Last evaluated: 2019-10-30. Review status: criteria provided, single submitter. Criteria: Invitae Variant Classification Sherloc (09022015). Collection method: clinical testing. Allele origin: germline.
Comment: In summary, the available evidence is currently insufficient to determine the role of this variant in disease. Therefore, it has been classified as a Variant of Uncertain Significance. Algorithms developed to predict the effect of missense changes on protein structure and function are either unavailable or do not agree on the potential impact of this missense change (SIFT: "Tolerated"; PolyPhen-2: "Possibly Damaging"; Align-GVGD: "Class C0"). This variant has not been reported in the literature in individuals with PRX-related conditions. This variant is present in population databases (rs757931043, ExAC 0.009%). This sequence change replaces lysine with asparagine at codon 599 of the PRX protein (p.Lys599Asn). The lysine residue is weakly conserved and there is a moderate physicochemical difference between lysine and asparagine.

Molecular Genetics Laboratory, London Health Sciences Centre
Classification: Uncertain significance for Charcot-Marie-Tooth disease. Review status: criteria provided, single submitter. Criteria: ACMG Guidelines, 2015. Collection method: clinical testing. Allele origin: germline. Affected: yes.

NM_181882.3(PRX):c.1797A>T (p.Lys599Asn)

Gene: PRX (periaxin; minus strand). Cytogenetic location: 19q13.2.
Variant type: single nucleotide variant.
Coding change: c.1797A>T on transcript NM_181882.3 (MANE Select); coding-DNA position 1797, A replaced by T.
Protein change: p.Lys599Asn; replaces lysine 599 with asparagine.
Molecular consequence: missense variant. On other transcripts: 3 prime UTR variant (1).
Genome position (GRCh38, 1-based): chr19:40,396,555, T>A on the plus strand (A>T on the coding strand, the complement: PRX is on the minus strand). VCF-style: chr19-40396555-T-A. GRCh37 (hg19) VCF-style: chr19-40902462-T-A.
Other names: c.*2002A>T (NM_020956.2); short protein forms K599N.
Identifiers: ClinVar variation 917170 (VCV000917170.15), dbSNP rs757931043, ClinGen allele CA9444195.
Genomic context (GRCh38, chr19:40,396,555, plus strand): 5'-TGGGAGGTGCACATCGGGCACGGCCATCTCGGGCACCTTCGGGAGTTGCACTTCAGGGAG[T>A]TTCATCTCAGGAAGTTTCATCTCAGGCACCTTTGGAAGCTTCATCTCAGGGACTTTCATC-3'
Protein context (NP_870998.2, residues 589-609): KVPEMKLPEM[Lys599Asn]LPEVQLPKVP